The following is an entry in ClinVar:

ClinVar aggregate classification (germline): Conflicting classifications of pathogenicity. Review status: criteria provided, conflicting classifications (1 of 4 stars). 3 submissions from 3 submitters: Uncertain significance (2); Benign (1). Last evaluated 2025-02-25.

Conditions:
Hereditary pancreatitis (PCTT). Also called: Hereditary chronic pancreatitis; PRSS1-Related Hereditary Pancreatitis. Identifiers: Orphanet 676, MedGen C0238339, MONDO:0008185, OMIM 167800.

Allele frequency attached by ClinVar (database versions not stated): ExAC 0.03183; 1000 Genomes Project 30x 0.29903.

Submissions (3):

Ambry Genetics
Classification: Uncertain significance for Hereditary pancreatitis. Last evaluated: 2025-02-25. Review status: criteria provided, single submitter. Criteria: Ambry Variant Classification Scheme 2023. Collection method: clinical testing. Allele origin: germline.
Comment: The p.Q56* variant (also known as c.166C>T), located in coding exon 2 of the PRSS1 gene, results from a C to T substitution at nucleotide position 166. This changes the amino acid from a glutamine to a stop codon within coding exon 2. This alteration is expected to result in loss of function by premature protein truncation or nonsense-mediated mRNA decay. However, loss of function of PRSS1 has not been clearly established as a mechanism of disease. Based on the available evidence, the clinical significance of this variant remains unclear.

Department of Pathology and Laboratory Medicine, Sinai Health System
Classification: Uncertain significance for Hereditary pancreatitis. Last evaluated: 2023-04-01. Review status: criteria provided, single submitter. Criteria: ACMG Guidelines, 2015. Collection method: research. Allele origin: germline.

Labcorp Genetics (formerly Invitae), Labcorp
Classification: Benign for Hereditary pancreatitis. Last evaluated: 2022-10-05. Review status: criteria provided, single submitter. Criteria: Invitae Variant Classification Sherloc (09022015). Collection method: clinical testing. Allele origin: germline.

NM_002769.5(PRSS1):c.166C>T (p.Gln56Ter)

Genes: TRB (T cell receptor beta locus; plus strand), PRSS1 (serine protease 1; plus strand). Cytogenetic location: 7q34.
Variant type: single nucleotide variant.
Coding change: c.166C>T on transcript NM_002769.5 (MANE Select); coding-DNA position 166, C replaced by T.
Protein change: p.Gln56Ter; replaces glutamine 56 with a stop codon.
Molecular consequence: nonsense.
Genome position (GRCh38, 1-based): chr7:142,750,680, C>T. VCF-style: chr7-142750680-C-T. GRCh37 (hg19) VCF-style: chr7-142458531-C-T.
Other names: short protein forms Q56*.
Identifiers: ClinVar variation 940016 (VCV000940016.11), dbSNP rs147366981, ClinGen allele CA4529698.